The following is an entry in ClinVar:

NM_170606.3(KMT2C):c.10799A>G (p.Glu3600Gly)

Gene: KMT2C (lysine methyltransferase 2C; minus strand). Cytogenetic location: 7q36.1.
Variant type: single nucleotide variant.
Coding change: c.10799A>G on transcript NM_170606.3 (MANE Select); coding-DNA position 10799, A replaced by G.
Protein change: p.Glu3600Gly; replaces glutamic acid 3600 with glycine.
Molecular consequence: missense variant.
Genome position (GRCh38, 1-based): chr7:152,162,778, T>C on the plus strand (A>G on the coding strand, the complement: KMT2C is on the minus strand). VCF-style: chr7-152162778-T-C. GRCh37 (hg19) VCF-style: chr7-151859863-T-C.
Other names: short protein forms E3600G.
Identifiers: ClinVar variation 4057181 (VCV004057181.1).
Genomic context (GRCh38, chr7:152,162,778, plus strand): 5'-TTGGTGGATTCTGCATCATCATCTCTTTTCTTCTTTCTTGTTCTTTTCTTTTTCCCTTTT[T>C]CCTCTGGGATTATATCAGAATACAACTGAATGAGCGATTGGGTTGATCCCGGATAACTGT-3'
Protein context (NP_733751.2, residues 3590-3610): IQLYSDIIPE[Glu3600Gly]KGKKKRTRKK

ClinVar aggregate classification (germline): Uncertain significance (1 of 4 stars; one submission).

Submission:

GeneDx
Classification: Uncertain significance. Last evaluated: 2025-01-13. Review status: criteria provided, single submitter. Criteria: GeneDx Variant Classification Process June 2021. Collection method: clinical testing. Allele origin: germline. Affected: yes.
Comment: Not observed at significant frequency in large population cohorts (gnomAD); In silico analysis supports that this missense variant has a deleterious effect on protein structure/function; Has not been previously published as pathogenic or benign to our knowledge